The following is an entry in ClinVar:

NM_001303256.3(MORC2):c.2719A>G (p.Thr907Ala)

Gene: MORC2 (MORC family CW-type zinc finger 2; minus strand). Cytogenetic location: 22q12.2.
Variant type: single nucleotide variant.
Coding change: c.2719A>G on transcript NM_001303256.3 (MANE Select); coding-DNA position 2719, A replaced by G.
Protein change: p.Thr907Ala; replaces threonine 907 with alanine.
Molecular consequence: missense variant.
Genome position (GRCh38, 1-based): chr22:30,932,573, T>C on the plus strand (A>G on the coding strand, the complement: MORC2 is on the minus strand). VCF-style: chr22-30932573-T-C. GRCh37 (hg19) VCF-style: chr22-31328560-T-C.
Other names: c.2719A>G, p.Thr907Ala (NM_001303257.2); c.2533A>G, p.Thr845Ala (NM_014941.3); short protein forms T845A, T907A.
Identifiers: ClinVar variation 4803180 (VCV004803180.1).

ClinVar aggregate classification (germline): Uncertain significance (1 of 4 stars; one submission).

Conditions:
Charcot-Marie-Tooth disease axonal type 2Z. Also called: CHARCOT-MARIE-TOOTH DISEASE, AXONAL, AUTOSOMAL DOMINANT, TYPE 2Z; CHARCOT-MARIE-TOOTH NEUROPATHY, TYPE 2Z. Identifiers: Orphanet 466768, MedGen C5569025, MONDO:0014736, OMIM 616688.

gnomAD v4.1: 1 of 1,613,966 alleles (0.000062%); highest among the groups gnomAD compares: Non-Finnish European, 0.000085%; no homozygotes.

Submission:

Labcorp Genetics (formerly Invitae), Labcorp
Classification: Uncertain significance for Charcot-Marie-Tooth disease axonal type 2Z. Last evaluated: 2025-02-20. Review status: criteria provided, single submitter. Criteria: Invitae Variant Classification Sherloc (09022015). Collection method: clinical testing. Allele origin: germline.
Comment: This sequence change replaces threonine, which is neutral and polar, with alanine, which is neutral and non-polar, at codon 907 of the MORC2 protein (p.Thr907Ala). This variant is not present in population databases (gnomAD no frequency). This variant has not been reported in the literature in individuals affected with MORC2-related conditions. Invitae Evidence Modeling of protein sequence and biophysical properties (such as structural, functional, and spatial information, amino acid conservation, physicochemical variation, residue mobility, and thermodynamic stability) indicates that this missense variant is not expected to disrupt MORC2 protein function with a negative predictive value of 95%. In summary, the available evidence is currently insufficient to determine the role of this variant in disease. Therefore, it has been classified as a Variant of Uncertain Significance.